The following is an entry in ClinVar:

ClinVar aggregate classification (germline): Uncertain significance (1 of 4 stars; one submission).

Conditions:
Focal segmental glomerulosclerosis 6 (FSGS6). Identifiers: Orphanet 656, MedGen C3279905, MONDO:0013589, OMIM 614131.

Submission:

Laboratorio de Genetica e Diagnostico Molecular, Hospital Israelita Albert Einstein
Classification: Uncertain significance for Focal segmental glomerulosclerosis 6. Last evaluated: 2022-07-15. Review status: criteria provided, single submitter. Criteria: ACMG Guidelines, 2015. Collection method: clinical testing. Allele origin: germline. Affected: yes. Observed: 1 variant allele.
Comment: ACMG classification criteria: PM2 moderated

NM_004998.4(MYO1E):c.2335-465C>G

Gene: MYO1E (myosin IE; minus strand). Cytogenetic location: 15q22.2.
Variant type: single nucleotide variant.
Coding change: c.2335-465C>G on transcript NM_004998.4 (MANE Select); 465 bases into the intron before coding-DNA position 2335, C replaced by G.
Molecular consequence: intron variant.
Genome position (GRCh38, 1-based): chr15:59,172,507, G>C on the plus strand (C>G on the coding strand, the complement: MYO1E is on the minus strand). VCF-style: chr15-59172507-G-C. GRCh37 (hg19) VCF-style: chr15-59464706-G-C.
Identifiers: ClinVar variation 2431896 (VCV002431896.1), dbSNP rs2140316512, ClinGen allele CA2580089819.
Genomic context (GRCh38, chr15:59,172,507, plus strand): 5'-GTCAATCTTCACTACTGTTGAGAGGCCATTCCATTCATCACATGACCGGGCCCCATGACA[G>C]TGAAAGAGGGCATTGTTCATGATTATTAGGATGACATGTAAAAAATGATGACATTTGACT-3'